The following is an entry in ClinVar:

ClinVar aggregate classification (germline): Uncertain significance (1 of 4 stars; one submission).

Conditions:
MHC class II deficiency. Also called: Bare lymphocyte syndrome 2; BLS, TYPE II. Identifiers: Orphanet 572, MedGen C5447452, MONDO:0008855.

Allele frequency attached by ClinVar (database versions not stated): gnomAD exomes 0.00001 and 0.00002; ExAC 0.00003; TOPMed below 0.00001.
gnomAD v4.1: 7 of 1,614,138 alleles (0.00043%); highest among the groups gnomAD compares: Non-Finnish European, 0.00059%; no homozygotes.

Submission:

Labcorp Genetics (formerly Invitae), Labcorp
Classification: Uncertain significance for MHC class II deficiency. Last evaluated: 2021-08-26. Review status: criteria provided, single submitter. Criteria: Invitae Variant Classification Sherloc (09022015). Collection method: clinical testing. Allele origin: germline.
Comment: This sequence change replaces leucine with methionine at codon 182 of the CIITA protein (p.Leu182Met). The leucine residue is weakly conserved and there is a small physicochemical difference between leucine and methionine. This variant is present in population databases (rs747552747, ExAC 0.006%). This variant has not been reported in the literature in individuals affected with CIITA-related conditions. Algorithms developed to predict the effect of missense changes on protein structure and function output the following: SIFT: "Tolerated"; PolyPhen-2: "Possibly Damaging"; Align-GVGD: "Class C0". The methionine amino acid residue is found in multiple mammalian species, which suggests that this missense change does not adversely affect protein function. In summary, the available evidence is currently insufficient to determine the role of this variant in disease. Therefore, it has been classified as a Variant of Uncertain Significance.

NM_000246.4(CIITA):c.544C>A (p.Leu182Met)

Gene: CIITA (class II major histocompatibility complex transactivator; plus strand). Cytogenetic location: 16p13.13.
Variant type: single nucleotide variant.
Coding change: c.544C>A on transcript NM_000246.4 (MANE Select); coding-DNA position 544, C replaced by A.
Protein change: p.Leu182Met; replaces leucine 182 with methionine.
Molecular consequence: missense variant. On other transcripts: non-coding transcript variant (1), intron variant (3).
Genome position (GRCh38, 1-based): chr16:10,902,100, C>A. VCF-style: chr16-10902100-C-A. GRCh37 (hg19) VCF-style: chr16-10995957-C-A.
Other names: c.547C>A, p.Leu183Met (NM_001286402.1, NM_001379332.1); c.544C>A, p.Leu182Met (NM_001379333.1); c.475C>A, p.Leu159Met (NM_001379334.1); c.484+542C>A (NM_001379330.1); c.481+542C>A (NM_001379331.1, NM_001286403.2); short protein forms L182M, L183M, L159M.
Identifiers: ClinVar variation 646333 (VCV000646333.6), dbSNP rs747552747, ClinGen allele CA7899805.